The following is an entry in ClinVar:

NM_001077525.3(MTMR14):c.1201A>G (p.Thr401Ala)

Gene: MTMR14 (myotubularin related protein 14; plus strand). Cytogenetic location: 3p25.3.
Variant type: single nucleotide variant.
Coding change: c.1201A>G on transcript NM_001077525.3 (MANE Select); coding-DNA position 1201, A replaced by G.
Protein change: p.Thr401Ala; replaces threonine 401 with alanine.
Molecular consequence: missense variant. On other transcripts: non-coding transcript variant (9).
Genome position (GRCh38, 1-based): chr3:9,687,857, A>G. VCF-style: chr3-9687857-A-G. GRCh37 (hg19) VCF-style: chr3-9729541-A-G.
Other names: c.1201A>G, p.Thr401Ala (NM_001077526.3, NM_022485.5); c.1270A>G, p.Thr424Ala (NM_001400518.1, NM_001400521.1); c.1198A>G, p.Thr400Ala (NM_001400519.1, NM_001400522.1); c.1126A>G, p.Thr376Ala (NM_001400520.1, NM_001400523.1, NM_001400528.1); c.955A>G, p.Thr319Ala (NM_001400524.1, NM_001400527.1, NM_001400530.1); c.919A>G, p.Thr307Ala (NM_001400525.1, NM_001400529.1, NM_001400532.1); c.1195A>G, p.Thr399Ala (NM_001400526.1); c.952A>G, p.Thr318Ala (NM_001400531.1); and 5 more; short protein forms T187A, T318A, T319A, T399A, T114A, T162A, T282A, T294A.
Identifiers: ClinVar variation 2978543 (VCV002978543.3), dbSNP rs2471002439, ClinGen allele CA351696771.

ClinVar aggregate classification (germline): Uncertain significance (1 of 4 stars; one submission).

Submission:

Labcorp Genetics (formerly Invitae), Labcorp
Classification: Uncertain significance. Last evaluated: 2023-11-20. Review status: criteria provided, single submitter. Criteria: Invitae Variant Classification Sherloc (09022015). Collection method: clinical testing. Allele origin: germline.
Comment: This sequence change replaces threonine, which is neutral and polar, with alanine, which is neutral and non-polar, at codon 401 of the MTMR14 protein (p.Thr401Ala). This variant is not present in population databases (gnomAD no frequency). This variant has not been reported in the literature in individuals affected with MTMR14-related conditions. Advanced modeling of protein sequence and biophysical properties (such as structural, functional, and spatial information, amino acid conservation, physicochemical variation, residue mobility, and thermodynamic stability) performed at Invitae indicates that this missense variant is not expected to disrupt MTMR14 protein function with a negative predictive value of 80%. In summary, the available evidence is currently insufficient to determine the role of this variant in disease. Therefore, it has been classified as a Variant of Uncertain Significance.